The following is an entry in ClinVar:

NM_003070.5(SMARCA2):c.3191C>T (p.Ala1064Val)

Gene: SMARCA2 (SWI/SNF related BAF chromatin remodeling complex subunit ATPase 2; plus strand). Cytogenetic location: 9p24.3.
Variant type: single nucleotide variant.
Coding change: c.3191C>T on transcript NM_003070.5 (MANE Select); coding-DNA position 3191, C replaced by T.
Protein change: p.Ala1064Val; replaces alanine 1064 with valine.
Molecular consequence: missense variant.
Genome position (GRCh38, 1-based): chr9:2,104,068, C>T. VCF-style: chr9-2104068-C-T. GRCh37 (hg19) VCF-style: chr9-2104068-C-T.
Other names: c.3191C>T, p.Ala1064Val (NM_001289396.2, NM_139045.4); c.3017C>T, p.Ala1006Val (NM_001289397.2); short protein forms A1006V, A1064V.
Identifiers: ClinVar variation 1254664 (VCV001254664.9), dbSNP rs747313863, ClinGen allele CA4963711.
Genomic context (GRCh38, chr9:2,104,068, plus strand): 5'-AACTGTATCGGGCCTCAGGGAAGTTTGAGCTGCTTGATCGTATTCTGCCAAAATTGAGAG[C>T]GACTAATCACCGAGTGCTGCTTTTCTGCCAGATGACATCTCTCATGACCATCATGGAGGA-3'
Protein context (NP_003061.3, residues 1054-1074): LLDRILPKLR[Ala1064Val]TNHRVLLFCQ

ClinVar aggregate classification (germline): Benign/Likely benign. Review status: criteria provided, multiple submitters, no conflicts (2 of 4 stars). 4 submissions from 4 submitters: Benign (1); Likely benign (3). Last evaluated 2025-12-11.

Conditions:
Inborn genetic diseases. Identifiers: MedGen C0950123, MeSH D030342.

Allele frequency attached by ClinVar (database versions not stated): gnomAD 0.00001 and 0.00002; gnomAD exomes 0.00002 and 0.00004; ExAC 0.00005; TOPMed 0.00005.
gnomAD v4.1: 27 of 1,613,948 alleles (0.0017%); highest among the groups gnomAD compares: Middle Eastern, 0.033%; no homozygotes.

Submissions (4):

Women's Health and Genetics/Laboratory Corporation of America, LabCorp
Classification: Likely benign. Last evaluated: 2025-12-11. Review status: criteria provided, single submitter. Criteria: LabCorp Variant Classification Summary - May 2015. Collection method: clinical testing. Allele origin: germline.
Comment: Variant summary: SMARCA2 c.3191C>T (p.Ala1064Val) results in a non-conservative amino acid change in the encoded protein sequence. Algorithms developed to predict the effect of missense changes on protein structure and function all suggest that this variant is likely to be disruptive. The variant allele was found at a frequency of 4.4e-05 in 251440 control chromosomes (gnomAD). The occurrence in several carriers suggests that this variant is likely not associated with a high penetrance, severe, early onset disease phenotype in heterozygous state. To our knowledge, no occurrence of c.3191C>T in individuals affected with SMARCA2-related conditions and no experimental evidence demonstrating its impact on protein function have been reported. ClinVar contains an entry for this variant (Variation ID: 1254664). Based on the evidence outlined above, the variant was classified as likely benign.

Labcorp Genetics (formerly Invitae), Labcorp
Classification: Benign. Last evaluated: 2023-10-03. Review status: criteria provided, single submitter. Criteria: Invitae Variant Classification Sherloc (09022015). Collection method: clinical testing. Allele origin: germline.

Ambry Genetics
Classification: Likely benign for Inborn genetic diseases. Last evaluated: 2022-07-26. Review status: criteria provided, single submitter. Criteria: Ambry Variant Classification Scheme 2023. Collection method: clinical testing. Allele origin: germline.

GeneDx
Classification: Likely benign. Last evaluated: 2021-03-12. Review status: criteria provided, single submitter. Criteria: GeneDx Variant Classification Process June 2021. Collection method: clinical testing. Allele origin: germline. Affected: yes.